The following is an entry in ClinVar:

NM_000320.3(QDPR):c.163A>G (p.Lys55Glu)

Gene: QDPR (quinoid dihydropteridine reductase; minus strand). Cytogenetic location: 4p15.32.
Variant type: single nucleotide variant.
Coding change: c.163A>G on transcript NM_000320.3 (MANE Select); coding-DNA position 163, A replaced by G.
Protein change: p.Lys55Glu; replaces lysine 55 with glutamic acid.
Molecular consequence: missense variant. On other transcripts: non-coding transcript variant (1), intron variant (1).
Genome position (GRCh38, 1-based): chr4:17,509,306, T>C on the plus strand (A>G on the coding strand, the complement: QDPR is on the minus strand). VCF-style: chr4-17509306-T-C. GRCh37 (hg19) VCF-style: chr4-17510929-T-C.
Other names: c.105+2644A>G (NM_001306140.2); short protein forms K55E.
Identifiers: ClinVar variation 1997759 (VCV001997759.4), dbSNP rs368195979, ClinGen allele CA2868205.

ClinVar aggregate classification (germline): Uncertain significance (1 of 4 stars; one submission).

Conditions:
Dihydropteridine reductase deficiency (HPABH4C). Also called: BH4-Deficient Hyperphenylalaninemia C; HYPERPHENYLALANINEMIA, TETRAHYDROBIOPTERIN-DEFICIENT, DUE TO DHPR DEFICIENCY; QDPR DEFICIENCY; QUINOID DIHYDROPTERIDINE REDUCTASE DEFICIENCY; Phenylketonuria II; Hyperphenylalaninemia due to dihydropteridine reductase deficiency. Identifiers: Orphanet 226, Orphanet 238583, MedGen C0268465, MONDO:0009862, OMIM 261630.

Allele frequency attached by ClinVar (database versions not stated): ExAC 0.00001; ESP Exome Variant Server 0.00008.
gnomAD v4.1: 1 of 1,614,160 alleles (0.000062%); no homozygotes.

Submission:

Labcorp Genetics (formerly Invitae), Labcorp
Classification: Uncertain significance for Dihydropteridine reductase deficiency. Last evaluated: 2022-05-21. Review status: criteria provided, single submitter. Criteria: Invitae Variant Classification Sherloc (09022015). Collection method: clinical testing. Allele origin: germline.
Comment: This variant has not been reported in the literature in individuals affected with QDPR-related conditions. In summary, the available evidence is currently insufficient to determine the role of this variant in disease. Therefore, it has been classified as a Variant of Uncertain Significance. Algorithms developed to predict the effect of missense changes on protein structure and function (SIFT, PolyPhen-2, Align-GVGD) all suggest that this variant is likely to be tolerated. This variant is present in population databases (rs368195979, gnomAD 0.0009%). This sequence change replaces lysine, which is basic and polar, with glutamic acid, which is acidic and polar, at codon 55 of the QDPR protein (p.Lys55Glu).